The following is an entry in ClinVar:

ClinVar aggregate classification (germline): Uncertain significance (1 of 4 stars; one submission).

Conditions:
Developmental and epileptic encephalopathy, 2 (DEE2). Also called: INFANTILE SPASM SYNDROME, X-LINKED 2; CDKL5 deficiency disorder. Identifiers: Orphanet 1934, Orphanet 3451, Orphanet 505652, MedGen C4750718, MONDO:0010396, OMIM 300672.
Angelman syndrome-like. Identifiers: MedGen CN128785.

Submission:

Labcorp Genetics (formerly Invitae), Labcorp
Classification: Uncertain significance for Developmental and epileptic encephalopathy, 2; Angelman syndrome-like. Last evaluated: 2020-01-26. Review status: criteria provided, single submitter. Criteria: Invitae Variant Classification Sherloc (09022015). Collection method: clinical testing. Allele origin: germline.
Comment: In summary, the available evidence is currently insufficient to determine the role of this variant in disease. Therefore, it has been classified as a Variant of Uncertain Significance. Algorithms developed to predict the effect of sequence changes on RNA splicing suggest that this variant may create or strengthen a splice site, but this prediction has not been confirmed by published transcriptional studies. Algorithms developed to predict the effect of missense changes on protein structure and function (SIFT, PolyPhen-2, Align-GVGD) all suggest that this variant is likely to be tolerated, but these predictions have not been confirmed by published functional studies and their clinical significance is uncertain. This variant has not been reported in the literature in individuals with CDKL5-related conditions. This variant is not present in population databases (ExAC no frequency). This sequence change replaces histidine with glutamine at codon 1022 of the CDKL5 protein (p.His1022Gln). The histidine residue is weakly conserved and there is a small physicochemical difference between histidine and glutamine.

NC_000023.11:g.18653517T>A

Genes: CDKL5 (cyclin dependent kinase like 5; plus strand), RS1 (retinoschisin 1; minus strand). Cytogenetic location: Xp22.13.
Variant type: single nucleotide variant.
Molecular consequence: intron variant (on NM_000330.4). On other transcripts: missense variant (2).
Genome position: GRCh38 VCF-style: chrX-18653517-T-A. GRCh37 (hg19) VCF-style: chrX-18671637-T-A.
Other names: c.3066T>A, p.His1022Gln (NM_001037343.2, NM_003159.3); c.184+3136A>T (NM_000330.4); short protein forms H1022Q.
Identifiers: ClinVar variation 938714 (VCV000938714.11), dbSNP rs1928138947, ClinGen allele CA412374698.